The following is an entry in ClinVar:

NM_004655.4(AXIN2):c.1751A>G (p.Lys584Arg)

Gene: AXIN2 (axin 2; minus strand). Cytogenetic location: 17q24.1.
Variant type: single nucleotide variant.
Coding change: c.1751A>G on transcript NM_004655.4 (MANE Select); coding-DNA position 1751, A replaced by G.
Protein change: p.Lys584Arg; replaces lysine 584 with arginine.
Molecular consequence: missense variant. On other transcripts: intron variant (1).
Genome position (GRCh38, 1-based): chr17:65,537,025, T>C on the plus strand (A>G on the coding strand, the complement: AXIN2 is on the minus strand). VCF-style: chr17-65537025-T-C. GRCh37 (hg19) VCF-style: chr17-63533143-T-C.
Other names: c.1712+299A>G (NM_001363813.1); short protein forms K584R.
Identifiers: ClinVar variation 819975 (VCV000819975.10), dbSNP rs769404267, ClinGen allele CA400676692.
Genomic context (GRCh38, chr17:65,537,025, plus strand): 5'-CCAGCTCCGCCGGGGGCCCCTCCTTCCCTGGCGGGCAGGGCCAGGCCCGGCTCCGTGCCT[T>C]TCCCATTGCGTTTGGGCAAGGTACTGCCTCTGCTGCCGCTGTGGGGAACCAAGAACCACA-3'
Protein context (NP_004646.3, residues 574-594): RGSTLPKRNG[Lys584Arg]GTEPGLALPA

ClinVar aggregate classification (germline): Uncertain significance. Review status: criteria provided, multiple submitters, no conflicts (2 of 4 stars). 2 submissions from 2 submitters: Uncertain significance (2). Last evaluated 2025-08-28.

Conditions:
Hereditary cancer-predisposing syndrome. Also called: Neoplastic Syndromes, Hereditary; Tumor predisposition; Hereditary Cancer Syndrome; Hereditary neoplastic syndrome. Identifiers: Orphanet 140162, MedGen C0027672, MeSH D009386, MONDO:0015356.
Oligodontia-cancer predisposition syndrome. Also called: TOOTH AGENESIS-COLORECTAL CANCER SYNDROME. Identifiers: Orphanet 300576, MedGen C1837750, MONDO:0012075, OMIM 608615. Disease mechanism: loss of function.

Submissions (2):

Labcorp Genetics (formerly Invitae), Labcorp
Classification: Uncertain significance for Oligodontia-cancer predisposition syndrome. Last evaluated: 2025-08-28. Review status: criteria provided, single submitter. Criteria: Invitae Variant Classification Sherloc (09022015). Collection method: clinical testing. Allele origin: germline.
Comment: This sequence change replaces lysine, which is basic and polar, with arginine, which is basic and polar, at codon 584 of the AXIN2 protein (p.Lys584Arg). This variant is not present in population databases (gnomAD no frequency). This variant has not been reported in the literature in individuals affected with AXIN2-related conditions. ClinVar contains an entry for this variant (Variation ID: 819975). Invitae Evidence Modeling of protein sequence and biophysical properties (such as structural, functional, and spatial information, amino acid conservation, physicochemical variation, residue mobility, and thermodynamic stability) indicates that this missense variant is not expected to disrupt AXIN2 protein function with a negative predictive value of 80%. In summary, the available evidence is currently insufficient to determine the role of this variant in disease. Therefore, it has been classified as a Variant of Uncertain Significance.

Ambry Genetics
Classification: Uncertain significance for Hereditary cancer-predisposing syndrome. Last evaluated: 2022-04-11. Review status: criteria provided, single submitter. Criteria: Ambry Variant Classification Scheme 2023. Collection method: clinical testing. Allele origin: germline.
Comment: The p.K584R variant (also known as c.1751A>G), located in coding exon 6 of the AXIN2 gene, results from an A to G substitution at nucleotide position 1751. The lysine at codon 584 is replaced by arginine, an amino acid with highly similar properties. This amino acid position is not well conserved in available vertebrate species, and arginine is the reference amino acid in other vertebrate species. In addition, this alteration is predicted to be tolerated by in silico analysis. Since supporting evidence is limited at this time, the clinical significance of this alteration remains unclear.